The following is an entry in ClinVar:

NM_004329.3(BMPR1A):c.1355A>G (p.Glu452Gly)

Gene: BMPR1A (bone morphogenetic protein receptor type 1A; plus strand). Cytogenetic location: 10q23.2.
Variant type: single nucleotide variant.
Coding change: c.1355A>G on transcript NM_004329.3 (MANE Select); coding-DNA position 1355, A replaced by G.
Protein change: p.Glu452Gly; replaces glutamic acid 452 with glycine.
Molecular consequence: missense variant.
Genome position (GRCh38, 1-based): chr10:86,923,388, A>G. VCF-style: chr10-86923388-A-G. GRCh37 (hg19) VCF-style: chr10-88683145-A-G.
Other names: short protein forms E452G.
Identifiers: ClinVar variation 919460 (VCV000919460.5), dbSNP rs1843694708, ClinGen allele CA377462659.

ClinVar aggregate classification (germline): Uncertain significance. Review status: criteria provided, multiple submitters, no conflicts (2 of 4 stars). 2 submissions from 2 submitters: Uncertain significance (2). Last evaluated 2021-12-29.

Conditions:
Hereditary cancer-predisposing syndrome. Also called: Neoplastic Syndromes, Hereditary; Tumor predisposition; Hereditary Cancer Syndrome; Hereditary neoplastic syndrome. Identifiers: Orphanet 140162, MedGen C0027672, MeSH D009386, MONDO:0015356.

Allele frequency attached by ClinVar (database versions not stated): gnomAD exomes below 0.00001.
gnomAD v4.1: 2 of 1,614,210 alleles (0.00012%); highest among the groups gnomAD compares: Non-Finnish European, 0.00017%; no homozygotes.

Submissions (2):

Ambry Genetics
Classification: Uncertain significance for Hereditary cancer-predisposing syndrome. Last evaluated: 2021-12-29. Review status: criteria provided, single submitter. Criteria: Ambry Variant Classification Scheme 2023. Collection method: clinical testing. Allele origin: germline.
Comment: The p.E452G variant (also known as c.1355A>G), located in coding exon 10 of the BMPR1A gene, results from an A to G substitution at nucleotide position 1355. The glutamic acid at codon 452 is replaced by glycine, an amino acid with similar properties. This alteration was identified in a cohort of 1260 individuals undergoing panel testing for Lynch syndrome due to having a diagnosis of a Lynch-associated cancer and/or polyps (Yurgelun MB et al. Gastroenterology, 2015 Sep;149:604-13.e20). This amino acid position is not well conserved in available vertebrate species. In addition, the in silico prediction for this alteration is inconclusive. Since supporting evidence is limited at this time, the clinical significance of this alteration remains unclear.

Color Diagnostics, LLC DBA Color Health
Classification: Uncertain significance for Hereditary cancer-predisposing syndrome. Last evaluated: 2019-11-25. Review status: criteria provided, single submitter. Criteria: ACMG Guidelines, 2015. Collection method: clinical testing. Allele origin: germline.
Comment: This missense variant replaces glutamic acid with glycine at codon 452 of the BMPR1A protein. Computational prediction suggests that this variant may have deleterious impact on protein structure and function (internally defined REVEL score threshold >= 0.7, PMID: 27666373). Splice site prediction tools suggest that this variant may not impact RNA splicing. To our knowledge, functional studies have not been performed for this variant. This variant has been reported in an individual undergoing testing for Lynch Syndrome (PMID 25980754). This variant has not been identified in the general population by the Genome Aggregation Database (gnomAD). The available evidence is insufficient to determine the role of this variant in disease conclusively. Therefore, this variant is classified as a Variant of Uncertain Significance.

Literature cited by the submitters: PubMed 25980754 (cited by Ambry Genetics).